The following is an entry in ClinVar:

NM_000256.3(MYBPC3):c.2095C>G (p.Pro699Ala)

Gene: MYBPC3 (myosin binding protein C3; minus strand). Cytogenetic location: 11p11.2.
Variant type: single nucleotide variant.
Coding change: c.2095C>G on transcript NM_000256.3 (MANE Select); coding-DNA position 2095, C replaced by G.
Protein change: p.Pro699Ala; replaces proline 699 with alanine.
Molecular consequence: missense variant.
Genome position (GRCh38, 1-based): chr11:47,339,377, G>C on the plus strand (C>G on the coding strand, the complement: MYBPC3 is on the minus strand). VCF-style: chr11-47339377-G-C. GRCh37 (hg19) VCF-style: chr11-47360928-G-C.
Other names: short protein forms P699A.
Identifiers: ClinVar variation 1466299 (VCV001466299.8), dbSNP rs2095885930, ClinGen allele CA380321049.

ClinVar aggregate classification (germline): Conflicting classifications of pathogenicity. Review status: criteria provided, conflicting classifications (1 of 4 stars). 3 submissions from 3 submitters: Uncertain significance (2); Likely benign (1). Last evaluated 2025-12-31.

Conditions:
Cardiovascular phenotype. Identifiers: MedGen CN230736.
Hypertrophic cardiomyopathy. Also called: HYPERTROPHIC MYOCARDIOPATHY. Identifiers: Orphanet 217569, MedGen C0007194, MeSH D002312, MONDO:0005045, HP:0001639.

Allele frequency attached by ClinVar (database versions not stated): TOPMed below 0.00001.

Submissions (3):

Labcorp Genetics (formerly Invitae), Labcorp
Classification: Uncertain significance for Hypertrophic cardiomyopathy. Last evaluated: 2025-12-31. Review status: criteria provided, single submitter. Criteria: Invitae Variant Classification Sherloc (09022015). Collection method: clinical testing. Allele origin: germline.
Comment: This sequence change replaces proline, which is neutral and non-polar, with alanine, which is neutral and non-polar, at codon 699 of the MYBPC3 protein (p.Pro699Ala). This variant is not present in population databases (gnomAD no frequency). This variant has not been reported in the literature in individuals affected with MYBPC3-related conditions. ClinVar contains an entry for this variant (Variation ID: 1466299). An algorithm developed to predict the effect of missense changes on protein structure and function (PolyPhen-2) suggests that this variant is likely to be tolerated. In summary, the available evidence is currently insufficient to determine the role of this variant in disease. Therefore, it has been classified as a Variant of Uncertain Significance.

Ambry Genetics
Classification: Likely benign for Cardiovascular phenotype. Last evaluated: 2024-06-27. Review status: criteria provided, single submitter. Criteria: Ambry Variant Classification Scheme 2023. Collection method: clinical testing. Allele origin: germline.

All of Us Research Program, National Institutes of Health
Classification: Uncertain significance for Hypertrophic cardiomyopathy. Last evaluated: 2023-12-18. Review status: criteria provided, single submitter. Criteria: ACMG Guidelines, 2015. Collection method: clinical testing. Allele origin: germline. Inheritance: Autosomal dominant inheritance. Observed: 1 variant allele, 1 heterozygote.
Comment: This missense variant replaces proline with alanine at codon 699 of the MYBPC3 protein. Computational prediction tools indicate that this variant has a neutral impact on protein structure and function. To our knowledge, functional studies have not been reported for this variant. This variant has not been reported in individuals affected with MYBPC3-related disorders in the literature. This variant has not been identified in the general population by the Genome Aggregation Database (gnomAD). The available evidence is insufficient to determine the role of this variant in disease conclusively. Therefore, this variant is classified as a Variant of Uncertain Significance.

This study involves interpretation of variants in research participants for the purpose of population health screening. Participant phenotype was not available at the time of variant classification. Additional details can be found in publication PMID: 35346344, PMCID: PMC8962531